The following is an entry in ClinVar:

ClinVar aggregate classification (germline): Uncertain significance (1 of 4 stars; one submission).

Conditions:
Hereditary cancer-predisposing syndrome. Also called: Tumor predisposition; Hereditary Cancer Syndrome; Hereditary neoplastic syndrome; Neoplastic Syndromes, Hereditary. Identifiers: Orphanet 140162, MedGen C0027672, MeSH D009386, MONDO:0015356.

Submission:

Ambry Genetics
Classification: Uncertain significance for Hereditary cancer-predisposing syndrome. Last evaluated: 2024-06-13. Review status: criteria provided, single submitter. Criteria: Ambry Variant Classification Scheme 2023. Collection method: clinical testing. Allele origin: germline.
Comment: The p.A2584P variant (also known as c.7750G>C), located in coding exon 15 of the APC gene, results from a G to C substitution at nucleotide position 7750. The alanine at codon 2584 is replaced by proline, an amino acid with highly similar properties. This amino acid position is well conserved in available vertebrate species. In addition, in silico predictors for this gene do not accurately predict pathogenicity. Based on the available evidence, the clinical significance of this variant remains unclear.

NM_000038.6(APC):c.7750G>C (p.Ala2584Pro)

Gene: APC (APC regulator of Wnt signaling pathway; plus strand). Cytogenetic location: 5q22.2.
Variant type: single nucleotide variant.
Coding change: c.7750G>C on transcript NM_000038.6 (MANE Select); coding-DNA position 7750, G replaced by C.
Protein change: p.Ala2584Pro; replaces alanine 2584 with proline.
Molecular consequence: missense variant. On other transcripts: non-coding transcript variant (2).
Genome position (GRCh38, 1-based): chr5:112,843,344, G>C. VCF-style: chr5-112843344-G-C. GRCh37 (hg19) VCF-style: chr5-112179041-G-C.
Other names: c.7750G>C, p.Ala2584Pro (NM_001127510.3, NM_001354895.2, NM_001407450.1); c.7696G>C, p.Ala2566Pro (NM_001127511.3); c.7804G>C, p.Ala2602Pro (NM_001354896.2, NM_001407447.1, NM_001407448.1 and 1 more transcripts); c.7780G>C, p.Ala2594Pro (NM_001354897.2); c.7675G>C, p.Ala2559Pro (NM_001354898.2); c.7666G>C, p.Ala2556Pro (NM_001354899.2); c.7627G>C, p.Ala2543Pro (NM_001354900.2); c.7573G>C, p.Ala2525Pro (NM_001354901.2, NM_001407453.1); and 11 more; short protein forms A2301P, A2483P, A2525P, A2556P, A2577P, A2584P, A2612P, A2424P.
Identifiers: ClinVar variation 3305562 (VCV003305562.1).